The following is an entry in ClinVar:

NM_000057.4(BLM):c.242C>G (p.Thr81Arg)

Gene: BLM (BLM RecQ like helicase; plus strand). Cytogenetic location: 15q26.1.
Variant type: single nucleotide variant.
Coding change: c.242C>G on transcript NM_000057.4 (MANE Select); coding-DNA position 242, C replaced by G.
Protein change: p.Thr81Arg; replaces threonine 81 with arginine.
Molecular consequence: missense variant. On other transcripts: 5 prime UTR variant (1).
Genome position (GRCh38, 1-based): chr15:90,749,510, C>G. VCF-style: chr15-90749510-C-G. GRCh37 (hg19) VCF-style: chr15-91292740-C-G.
Other names: c.242C>G, p.Thr81Arg (NM_001287246.2, NM_001287247.2); c.-1050C>G (NM_001287248.2); c.242C>G (NM_000057.2); short protein forms T81R.
Identifiers: ClinVar variation 1021427 (VCV001021427.11), dbSNP rs1895606466, ClinGen allele CA393839927.
Genomic context (GRCh38, chr15:90,749,510, plus strand): 5'-GAAATAAAGATGTTAATGTTACCGAAGACTTTTCCTTCAGTGAACCTCTACCCAACACCA[C>G]AAATCAGCAAAGGGTCAAGGACTTCTTTAAAAATGCTCCAGCAGGACAGGAAACACAGAG-3'
Protein context (NP_000048.1, residues 71-91): FSFSEPLPNT[Thr81Arg]NQQRVKDFFK

ClinVar aggregate classification (germline): Uncertain significance. Review status: criteria provided, multiple submitters, no conflicts (2 of 4 stars). 2 submissions from 2 submitters: Uncertain significance (2). Last evaluated 2025-09-12.

Conditions:
Hereditary cancer-predisposing syndrome. Also called: Hereditary Cancer Syndrome; Neoplastic Syndromes, Hereditary; Tumor predisposition; Hereditary neoplastic syndrome. Identifiers: Orphanet 140162, MedGen C0027672, MeSH D009386, MONDO:0015356.
Bloom syndrome (BLM). Also called: Bloom-Torre-Machacek syndrome. Identifiers: Orphanet 125, MedGen C0005859, MONDO:0008876, OMIM 210900.

Submissions (2):

Ambry Genetics
Classification: Uncertain significance for Hereditary cancer-predisposing syndrome. Last evaluated: 2025-09-12. Review status: criteria provided, single submitter. Criteria: Ambry Variant Classification Scheme 2023. Collection method: clinical testing. Allele origin: germline.
Comment: The p.T81R variant (also known as c.242C>G), located in coding exon 2 of the BLM gene, results from a C to G substitution at nucleotide position 242. The threonine at codon 81 is replaced by arginine, an amino acid with similar properties. This amino acid position is conserved. In addition, this alteration is predicted to be tolerated by in silico analysis. Based on the available evidence, the clinical significance of this variant remains unclear.

Labcorp Genetics (formerly Invitae), Labcorp
Classification: Uncertain significance for Bloom syndrome. Last evaluated: 2023-10-26. Review status: criteria provided, single submitter. Criteria: Invitae Variant Classification Sherloc (09022015). Collection method: clinical testing. Allele origin: germline.
Comment: This sequence change replaces threonine, which is neutral and polar, with arginine, which is basic and polar, at codon 81 of the BLM protein (p.Thr81Arg). This variant is not present in population databases (gnomAD no frequency). This variant has not been reported in the literature in individuals affected with BLM-related conditions. ClinVar contains an entry for this variant (Variation ID: 1021427). An algorithm developed to predict the effect of missense changes on protein structure and function (PolyPhen-2) suggests that this variant is likely to be tolerated. In summary, the available evidence is currently insufficient to determine the role of this variant in disease. Therefore, it has been classified as a Variant of Uncertain Significance.